The following is an entry in ClinVar:

NM_004782.4(SNAP29):c.*138C>T

Gene: SNAP29 (synaptosome associated protein 29; plus strand). Cytogenetic location: 22q11.21.
Variant type: single nucleotide variant.
Coding change: c.*138C>T on transcript NM_004782.4 (MANE Select); 138 bases downstream of the stop codon, C replaced by T.
Molecular consequence: 3 prime UTR variant.
Genome position (GRCh38, 1-based): chr22:20,887,974, C>T. VCF-style: chr22-20887974-C-T. GRCh37 (hg19) VCF-style: chr22-21242262-C-T.
Identifiers: ClinVar variation 340839 (VCV000340839.6), dbSNP rs375995790, ClinGen allele CA10650896.

ClinVar aggregate classification (germline): Benign. Review status: criteria provided, multiple submitters, no conflicts (2 of 4 stars). 2 submissions from 2 submitters: Benign (2). Last evaluated 2018-01-12.

Conditions:
CEDNIK syndrome. Also called: CEREBRAL DYSGENESIS, NEUROPATHY, ICHTHYOSIS, AND PALMOPLANTAR KERATODERMA SYNDROME; Cerebral dysgenesis, neuropathy, ichthyosis, and palmoplantar keratoderma. Identifiers: Orphanet 66631, MedGen C1836033, MONDO:0012290, OMIM 609528.

Allele frequency attached by ClinVar (database versions not stated): TOPMed 0.00418; gnomAD 0.00422 and 0.00507; 1000 Genomes Project 30x 0.00921; 1000 Genomes Project 0.01018.
gnomAD v4.1: 6,307 of 871,136 alleles (0.72%); highest among the groups gnomAD compares: South Asian, 3.8%; 97 homozygotes.

Submissions (2):

Illumina Laboratory Services, Illumina
Classification: Benign for CEDNIK syndrome. Last evaluated: 2018-01-12. Review status: criteria provided, single submitter. Criteria: ICSL Variant Classification Criteria 13 December 2019. Collection method: clinical testing. Allele origin: germline.
Comment: This variant was observed in the ICSL laboratory as part of a predisposition screen in an ostensibly healthy population. It had not been previously curated by ICSL or reported in the Human Gene Mutation Database (HGMD: prior to June 1st, 2018), and was therefore a candidate for classification through an automated scoring system. Utilizing variant allele frequency, disease prevalence and penetrance estimates, and inheritance mode, an automated score was calculated to assess if this variant is too frequent to cause the disease. Based on the score and internal cut-off values, a variant classified as benign is not then subjected to further curation. The score for this variant resulted in a classification of benign for this disease.

Breakthrough Genomics
Classification: Benign. Review status: criteria provided, single submitter. Criteria: ACMG Guidelines, 2015. Collection method: not provided. Allele origin: germline. Inheritance: Autosomal recessive inheritance. Affected: yes.